The following is an entry in ClinVar:

NM_000038.6(APC):c.2533C>T (p.Arg845Cys)

Gene: APC (APC regulator of Wnt signaling pathway; plus strand). Cytogenetic location: 5q22.2.
Variant type: single nucleotide variant.
Coding change: c.2533C>T on transcript NM_000038.6 (MANE Select); coding-DNA position 2533, C replaced by T.
Protein change: p.Arg845Cys; replaces arginine 845 with cysteine.
Molecular consequence: missense variant.
Genome position (GRCh38, 1-based): chr5:112,838,127, C>T. VCF-style: chr5-112838127-C-T. GRCh37 (hg19) VCF-style: chr5-112173824-C-T.
Other names: c.2533C>T, p.Arg845Cys (NM_001127510.3, NM_001354895.2); c.2479C>T, p.Arg827Cys (NM_001127511.3); c.2587C>T, p.Arg863Cys (NM_001354896.2); c.2563C>T, p.Arg855Cys (NM_001354897.2); c.2458C>T, p.Arg820Cys (NM_001354898.2); c.2449C>T, p.Arg817Cys (NM_001354899.2); c.2410C>T, p.Arg804Cys (NM_001354900.2); c.2356C>T, p.Arg786Cys (NM_001354901.2); and 5 more; short protein forms R827C, R845C, R685C, R817C, R863C, R719C, R744C, R820C.
Identifiers: ClinVar variation 485094 (VCV000485094.21), dbSNP rs1554084249, ClinGen allele CA16026883.

ClinVar aggregate classification (germline): Conflicting classifications of pathogenicity. Review status: criteria provided, conflicting classifications (1 of 4 stars). 5 submissions from 5 submitters: Likely pathogenic (1); Uncertain significance (4). Last evaluated 2025-12-02.

Conditions:
Hereditary cancer-predisposing syndrome. Also called: Neoplastic Syndromes, Hereditary; Tumor predisposition; Hereditary Cancer Syndrome; Hereditary neoplastic syndrome. Identifiers: Orphanet 140162, MedGen C0027672, MeSH D009386, MONDO:0015356.
Familial adenomatous polyposis 1 (FAP1). Also called: FAMILIAL ADENOMATOUS POLYPOSIS 1, ATTENUATED; POLYPOSIS, ADENOMATOUS INTESTINAL. Identifiers: MedGen C2713442, MONDO:0021056, OMIM 175100. Disease mechanism: loss of function.
Ovarian cancer. Also called: OVARIAN CANCER, SOMATIC. Identifiers: Orphanet 213500, MedGen C1140680, MONDO:0008170, OMIM 167000.

Allele frequency attached by ClinVar (database versions not stated): gnomAD exomes below 0.00001.

Submissions (5):

Labcorp Genetics (formerly Invitae), Labcorp
Classification: Uncertain significance for Familial adenomatous polyposis 1. Last evaluated: 2025-12-02. Review status: criteria provided, single submitter. Criteria: Invitae Variant Classification Sherloc (09022015). Collection method: clinical testing. Allele origin: germline.
Comment: This sequence change replaces arginine, which is basic and polar, with cysteine, which is neutral and slightly polar, at codon 845 of the APC protein (p.Arg845Cys). This variant is not present in population databases (gnomAD no frequency). This variant has not been reported in the literature in individuals affected with APC-related conditions. ClinVar contains an entry for this variant (Variation ID: 485094). Invitae Evidence Modeling of protein sequence and biophysical properties (such as structural, functional, and spatial information, amino acid conservation, physicochemical variation, residue mobility, and thermodynamic stability) indicates that this missense variant is not expected to disrupt APC protein function with a negative predictive value of 95%. In summary, the available evidence is currently insufficient to determine the role of this variant in disease. Therefore, it has been classified as a Variant of Uncertain Significance.

Ambry Genetics
Classification: Uncertain significance for Hereditary cancer-predisposing syndrome. Last evaluated: 2025-11-10. Review status: criteria provided, single submitter. Criteria: Ambry Variant Classification Scheme 2023. Collection method: clinical testing. Allele origin: germline.
Comment: The p.R845C variant (also known as c.2533C>T), located in coding exon 15 of the APC gene, results from a C to T substitution at nucleotide position 2533. The arginine at codon 845 is replaced by cysteine, an amino acid with highly dissimilar properties. This amino acid position is highly conserved in available vertebrate species. In addition, in silico predictors for this gene do not accurately predict pathogenicity. Since supporting evidence is limited at this time, the clinical significance of this alteration remains unclear.

Baylor Genetics
Classification: Uncertain significance for Familial adenomatous polyposis 1. Last evaluated: 2023-06-21. Review status: criteria provided, single submitter. Criteria: ACMG Guidelines, 2015. Collection method: clinical testing. Allele origin: unknown.

Color Diagnostics, LLC DBA Color Health
Classification: Uncertain significance for Hereditary cancer-predisposing syndrome. Last evaluated: 2022-07-26. Review status: criteria provided, single submitter. Criteria: ACMG Guidelines, 2015. Collection method: clinical testing. Allele origin: germline.
Comment: This missense variant replaces arginine with cysteine at codon 845 of the APC protein. Computational prediction suggests that this variant may not impact protein structure and function (internally defined REVEL score threshold <= 0.5, PMID: 27666373). To our knowledge, functional studies have not been reported for this variant. This variant has not been reported in individuals affected with hereditary cancer in the literature. This variant has not been identified in the general population by the Genome Aggregation Database (gnomAD). The available evidence is insufficient to determine the role of this variant in disease conclusively. Therefore, this variant is classified as a Variant of Uncertain Significance.

Laboratory of Molecular Epidemiology of Birth Defects, West China Second University Hospital, Sichuan University
Classification: Likely pathogenic for Ovarian cancer. Last evaluated: 2022-01-01. Review status: criteria provided, single submitter. Criteria: ACMG Guidelines, 2015. Collection method: clinical testing. Allele origin: germline. Affected: yes.